The following is an entry in ClinVar:

NM_015215.4(CAMTA1):c.2537T>G (p.Met846Arg)

Gene: CAMTA1 (calmodulin binding transcription activator 1; plus strand). Cytogenetic location: 1p36.23.
Variant type: single nucleotide variant.
Coding change: c.2537T>G on transcript NM_015215.4 (MANE Select); coding-DNA position 2537, T replaced by G.
Protein change: p.Met846Arg; replaces methionine 846 with arginine.
Molecular consequence: missense variant.
Genome position (GRCh38, 1-based): chr1:7,665,084, T>G. VCF-style: chr1-7665084-T-G. GRCh37 (hg19) VCF-style: chr1-7725144-T-G.
Other names: c.2447T>G, p.Met816Arg (NM_001349608.2, NM_001349612.2); c.2537T>G, p.Met846Arg (NM_001349609.2, NM_001349610.2, NM_001410737.1); c.2465T>G, p.Met822Arg (NM_001410738.1); short protein forms M816R, M822R, M846R.
Identifiers: ClinVar variation 1716276 (VCV001716276.5), dbSNP rs142551354, ClinGen allele CA566658.

ClinVar aggregate classification (germline): Uncertain significance (1 of 4 stars; one submission).

Allele frequency attached by ClinVar (database versions not stated): ExAC 0.00001; gnomAD 0.00001; TOPMed 0.00001; ESP Exome Variant Server 0.00008.
gnomAD v4.1: 1 of 1,551,692 alleles (0.000064%); highest among the groups gnomAD compares: Non-Finnish European, 0.000087%; no homozygotes.

Submission:

Labcorp Genetics (formerly Invitae), Labcorp
Classification: Uncertain significance. Last evaluated: 2022-10-12. Review status: criteria provided, single submitter. Criteria: Invitae Variant Classification Sherloc (09022015). Collection method: clinical testing. Allele origin: germline.
Comment: In summary, the available evidence is currently insufficient to determine the role of this variant in disease. Therefore, it has been classified as a Variant of Uncertain Significance. Algorithms developed to predict the effect of missense changes on protein structure and function are either unavailable or do not agree on the potential impact of this missense change (SIFT: "Tolerated"; PolyPhen-2: "Probably Damaging"; Align-GVGD: "Class C0"). This variant has not been reported in the literature in individuals affected with CAMTA1-related conditions. This variant is present in population databases (rs142551354, gnomAD 0.001%). This sequence change replaces methionine, which is neutral and non-polar, with arginine, which is basic and polar, at codon 846 of the CAMTA1 protein (p.Met846Arg).